The following is an entry in ClinVar:

NM_001018115.3(FANCD2):c.95C>T (p.Thr32Ile)

Genes: FANCD2 (FA complementation group D2; plus strand), LOC107303338 (3p25 FANCD2 Alu-mediated recombination region; plus strand). Cytogenetic location: 3p25.3.
Variant type: single nucleotide variant.
Coding change: c.95C>T on transcript NM_001018115.3 (MANE Select); coding-DNA position 95, C replaced by T.
Protein change: p.Thr32Ile; replaces threonine 32 with isoleucine.
Molecular consequence: missense variant.
Genome position (GRCh38, 1-based): chr3:10,032,862, C>T. VCF-style: chr3-10032862-C-T. GRCh37 (hg19) VCF-style: chr3-10074546-C-T.
Other names: c.95C>T, p.Thr32Ile (NM_001319984.2, NM_001374253.1, NM_001374254.1 and 2 more transcripts); short protein forms T32I.
Identifiers: ClinVar variation 1714804 (VCV001714804.5), dbSNP rs2470708842, ClinGen allele CA351718023.
Genomic context (GRCh38, chr3:10,032,862, plus strand): 5'-CCATATTCTTGAAAATTTTTCTATTTTCAGAAACCAGGAAGCAACCACTTTCCAAAAAGA[C>T]AAAGAAATCTCATATTGCTAATGAAGTTGAAGAAAATGACAGCATCTTTGTAAAGCTTCT-3'
Protein context (NP_001018125.1, residues 22-42): KTRKQPLSKK[Thr32Ile]KKSHIANEVE

ClinVar aggregate classification (germline): Uncertain significance (1 of 4 stars; one submission).

Conditions:
Fanconi anemia (FA). Also called: Fanconi's anemia. Identifiers: Orphanet 84, MedGen C0015625, MeSH D005199, MONDO:0019391.

Submission:

Labcorp Genetics (formerly Invitae), Labcorp
Classification: Uncertain significance for Fanconi anemia. Last evaluated: 2022-08-02. Review status: criteria provided, single submitter. Criteria: Invitae Variant Classification Sherloc (09022015). Collection method: clinical testing. Allele origin: germline.
Comment: In summary, the available evidence is currently insufficient to determine the role of this variant in disease. Therefore, it has been classified as a Variant of Uncertain Significance. Algorithms developed to predict the effect of missense changes on protein structure and function output the following: SIFT: "Tolerated"; PolyPhen-2: "Benign"; Align-GVGD: "Class C0". The isoleucine amino acid residue is found in multiple mammalian species, which suggests that this missense change does not adversely affect protein function. This variant has not been reported in the literature in individuals affected with FANCD2-related conditions. This variant is not present in population databases (gnomAD no frequency). This sequence change replaces threonine, which is neutral and polar, with isoleucine, which is neutral and non-polar, at codon 32 of the FANCD2 protein (p.Thr32Ile).